The following is an entry in ClinVar:

NM_004187.5(KDM5C):c.3961C>G (p.Pro1321Ala)

Gene: KDM5C (lysine demethylase 5C; minus strand). Cytogenetic location: Xp11.22.
Variant type: single nucleotide variant.
Coding change: c.3961C>G on transcript NM_004187.5 (MANE Select); coding-DNA position 3961, C replaced by G.
Protein change: p.Pro1321Ala; replaces proline 1321 with alanine.
Molecular consequence: missense variant. On other transcripts: non-coding transcript variant (3).
Genome position (GRCh38, 1-based): chrX:53,194,216, G>C on the plus strand (C>G on the coding strand, the complement: KDM5C is on the minus strand). VCF-style: chrX-53194216-G-C. GRCh37 (hg19) VCF-style: chrX-53223398-G-C.
Other names: c.3760C>G, p.Pro1254Ala (NM_001146702.2); c.3958C>G, p.Pro1320Ala (NM_001282622.3, NM_001353979.2, NM_001353982.2); c.3961C>G, p.Pro1321Ala (NM_001353978.3, NM_001353981.2, NM_001353984.2); short protein forms P1320A, P1321A, P1254A.
Identifiers: ClinVar variation 1904783 (VCV001904783.5), dbSNP rs781820680, ClinGen allele CA10419166.

ClinVar aggregate classification (germline): Uncertain significance (1 of 4 stars; one submission).

Conditions:
Spastic paraplegia. Identifiers: MedGen C0037772, HP:0001258.

gnomAD v4.1: 2 of 1,211,646 alleles (0.00017%); highest among the groups gnomAD compares: East Asian, 0.003%; no homozygotes.

Submission:

Labcorp Genetics (formerly Invitae), Labcorp
Classification: Uncertain significance for Spastic paraplegia. Last evaluated: 2024-02-26. Review status: criteria provided, single submitter. Criteria: Invitae Variant Classification Sherloc (09022015). Collection method: clinical testing. Allele origin: germline.
Comment: This sequence change replaces proline, which is neutral and non-polar, with alanine, which is neutral and non-polar, at codon 1321 of the KDM5C protein (p.Pro1321Ala). This variant is not present in population databases (gnomAD no frequency). This variant has not been reported in the literature in individuals affected with KDM5C-related conditions. ClinVar contains an entry for this variant (Variation ID: 1904783). Advanced modeling of protein sequence and biophysical properties (such as structural, functional, and spatial information, amino acid conservation, physicochemical variation, residue mobility, and thermodynamic stability) performed at Invitae indicates that this missense variant is not expected to disrupt KDM5C protein function with a negative predictive value of 95%. In summary, the available evidence is currently insufficient to determine the role of this variant in disease. Therefore, it has been classified as a Variant of Uncertain Significance.